The following is an entry in ClinVar:

NM_006230.4(POLD2):c.1145T>A (p.Leu382Gln)

Gene: POLD2 (DNA polymerase delta 2, accessory subunit; minus strand). Cytogenetic location: 7p13.
Variant type: single nucleotide variant.
Coding change: c.1145T>A on transcript NM_006230.4 (MANE Select); coding-DNA position 1145, T replaced by A.
Protein change: p.Leu382Gln; replaces leucine 382 with glutamine.
Molecular consequence: missense variant.
Genome position (GRCh38, 1-based): chr7:44,115,768, A>T on the plus strand (T>A on the coding strand, the complement: POLD2 is on the minus strand). VCF-style: chr7-44115768-A-T. GRCh37 (hg19) VCF-style: chr7-44155367-A-T.
Other names: c.1145T>A, p.Leu382Gln (NM_001127218.3, NM_001256879.2); short protein forms L382Q.
Identifiers: ClinVar variation 2059607 (VCV002059607.4), dbSNP rs371895239, ClinGen allele CA4238631.

ClinVar aggregate classification (germline): Uncertain significance (1 of 4 stars; one submission).

Allele frequency attached by ClinVar (database versions not stated): ExAC 0.00002; gnomAD 0.00002; TOPMed 0.00002; ESP Exome Variant Server 0.00008.
gnomAD v4.1: 26 of 1,613,094 alleles (0.0016%); highest among the groups gnomAD compares: Non-Finnish European, 0.0021%; no homozygotes.

Submission:

Labcorp Genetics (formerly Invitae), Labcorp
Classification: Uncertain significance. Last evaluated: 2025-10-14. Review status: criteria provided, single submitter. Criteria: Invitae Variant Classification Sherloc (09022015). Collection method: clinical testing. Allele origin: germline.
Comment: This sequence change replaces leucine, which is neutral and non-polar, with glutamine, which is neutral and polar, at codon 417 of the POLD2 protein (p.Leu417Gln). This variant is present in population databases (rs371895239, gnomAD 0.004%). This variant has not been reported in the literature in individuals affected with POLD2-related conditions. ClinVar contains an entry for this variant (Variation ID: 2059607). Experimental studies and prediction algorithms are not available or were not evaluated, and the functional significance of this variant is currently unknown. In summary, the available evidence is currently insufficient to determine the role of this variant in disease. Therefore, it has been classified as a Variant of Uncertain Significance.